The following is an entry in ClinVar:

NM_007315.4(STAT1):c.802G>T (p.Glu268Ter)

Gene: STAT1 (signal transducer and activator of transcription 1; minus strand). Cytogenetic location: 2q32.2.
Variant type: single nucleotide variant.
Coding change: c.802G>T on transcript NM_007315.4 (MANE Select); coding-DNA position 802, G replaced by T.
Protein change: p.Glu268Ter; replaces glutamic acid 268 with a stop codon.
Molecular consequence: nonsense. On other transcripts: intron variant (1).
Genome position (GRCh38, 1-based): chr2:190,995,203, C>A on the plus strand (G>T on the coding strand, the complement: STAT1 is on the minus strand). VCF-style: chr2-190995203-C-A. GRCh37 (hg19) VCF-style: chr2-191859929-C-A.
Other names: c.802G>T, p.Glu268Ter (NM_001384880.1, NM_139266.3, NM_001384882.1 and 4 more transcripts); c.785+2653G>T (NM_001384885.1); c.808G>T, p.Glu270Ter (NM_001384881.1, NM_001384884.1); c.703G>T, p.Glu235Ter (NM_001384883.1); c.712G>T, p.Glu238Ter (NM_001384890.1); c.838G>T, p.Glu280Ter (NM_001384891.1); short protein forms E235*, E270*, E238*, E280*, E268*.
Identifiers: ClinVar variation 1420518 (VCV001420518.6), dbSNP rs2125062900, ClinGen allele CA349922214.

ClinVar aggregate classification (germline): Pathogenic (1 of 4 stars; one submission).

Conditions:
Autoimmune enteropathy and endocrinopathy - susceptibility to chronic infections syndrome. Also called: Immunodeficiency 31C; Immunodeficiency 31C, autosomal dominant. Identifiers: Orphanet 391487, MedGen C3279990, MONDO:0013599, OMIM 614162.
Immunodeficiency 31B. Also called: STAT1 DEFICIENCY, AUTOSOMAL RECESSIVE; IMMUNODEFICIENCY 31B, MYCOBACTERIAL AND VIRAL INFECTIONS, AUTOSOMAL RECESSIVE. Identifiers: Orphanet 391311, MedGen C3151088, MONDO:0013427, OMIM 613796.
Mendelian susceptibility to mycobacterial diseases due to partial STAT1 deficiency. Also called: IMMUNODEFICIENCY 31A, MYCOBACTERIOSIS, AUTOSOMAL DOMINANT; STAT1 DEFICIENCY, AUTOSOMAL DOMINANT; Immunodeficiency 31a. Identifiers: Orphanet 319595, MedGen C4013950, MONDO:0013956, OMIM 614892.

Submission:

Labcorp Genetics (formerly Invitae), Labcorp
Classification: Pathogenic for Mendelian susceptibility to mycobacterial diseases due to partial STAT1 deficiency; Immunodeficiency 31B; Autoimmune enteropathy and endocrinopathy - susceptibility to chronic infections syndrome. Last evaluated: 2023-08-04. Review status: criteria provided, single submitter. Criteria: Invitae Variant Classification Sherloc (09022015). Collection method: clinical testing. Allele origin: germline.
Comment: This premature translational stop signal has been observed in individual(s) with hyper IgE syndrome (PMID: 34093558). This variant is not present in population databases (gnomAD no frequency). This sequence change creates a premature translational stop signal (p.Glu268*) in the STAT1 gene. It is expected to result in an absent or disrupted protein product. Loss-of-function variants in STAT1 are known to be pathogenic (PMID: 22651901). ClinVar contains an entry for this variant (Variation ID: 1420518). For these reasons, this variant has been classified as Pathogenic.

Literature cited by the submitters: PubMed 34093558; PubMed 22651901.